The following is an entry in ClinVar:

ClinVar aggregate classification (germline): Uncertain significance. Review status: criteria provided, multiple submitters, no conflicts (2 of 4 stars). 2 submissions from 2 submitters: Uncertain significance (2). Last evaluated 2026-01-09.

Conditions:
Dyskeratosis congenita. Identifiers: Orphanet 1775, MedGen C0265965, MONDO:0015780.
Idiopathic Pulmonary Fibrosis. Also called: Idiopathic fibrosing alveolitis, chronic form; idiopathic fibrosing alveolitis. Identifiers: Orphanet 2032, MedGen C1800706, MeSH D054990, MONDO:0800504.
Dyskeratosis congenita, autosomal dominant 2. Identifiers: MedGen C3151443, MONDO:0013521, OMIM 613989.

Submissions (2):

Ambry Genetics
Classification: Uncertain significance for Dyskeratosis congenita. Last evaluated: 2026-01-09. Review status: criteria provided, single submitter. Criteria: Ambry Variant Classification Scheme 2023. Collection method: clinical testing. Allele origin: germline.
Comment: The p.A422G variant (also known as c.1265C>G), located in coding exon 2 of the TERT gene, results from a C to G substitution at nucleotide position 1265. The alanine at codon 422 is replaced by glycine, an amino acid with similar properties. This amino acid position is conserved. In addition, this alteration is predicted to be tolerated by in silico analysis. Based on the available evidence, the clinical significance of this variant remains unclear.

Labcorp Genetics (formerly Invitae), Labcorp
Classification: Uncertain significance for Dyskeratosis congenita, autosomal dominant 2; Idiopathic Pulmonary Fibrosis. Last evaluated: 2021-04-06. Review status: criteria provided, single submitter. Criteria: Invitae Variant Classification Sherloc (09022015). Collection method: clinical testing. Allele origin: germline.
Comment: The frequency data for this variant in the population databases is considered unreliable, as metrics indicate insufficient coverage at this position in the ExAC database. This variant has not been reported in the literature in individuals with TERT-related conditions. Advanced modeling of protein sequence and biophysical properties (such as structural, functional, and spatial information, amino acid conservation, physicochemical variation, residue mobility, and thermodynamic stability) performed at Invitae indicates that this missense variant is not expected to disrupt TERT protein function. In summary, the available evidence is currently insufficient to determine the role of this variant in disease. Therefore, it has been classified as a Variant of Uncertain Significance. This sequence change replaces alanine with glycine at codon 422 of the TERT protein (p.Ala422Gly). The alanine residue is weakly conserved and there is a small physicochemical difference between alanine and glycine.

NM_198253.3(TERT):c.1265C>G (p.Ala422Gly)

Gene: TERT (telomerase reverse transcriptase; minus strand). Cytogenetic location: 5p15.33.
Variant type: single nucleotide variant.
Coding change: c.1265C>G on transcript NM_198253.3 (MANE Select); coding-DNA position 1265, C replaced by G.
Protein change: p.Ala422Gly; replaces alanine 422 with glycine.
Molecular consequence: missense variant. On other transcripts: non-coding transcript variant (2).
Genome position (GRCh38, 1-based): chr5:1,293,621, G>C on the plus strand (C>G on the coding strand, the complement: TERT is on the minus strand). VCF-style: chr5-1293621-G-C. GRCh37 (hg19) VCF-style: chr5-1293736-G-C.
Other names: c.1265C>G, p.Ala422Gly (NM_001193376.3); c.1265C>G (NM_198253.2); short protein forms A422G.
Identifiers: ClinVar variation 1450208 (VCV001450208.47), dbSNP rs2126685086, ClinGen allele CA359086407.
Genomic context (GRCh38, chr5:1,293,621, plus strand): 5'-TCCTCCTCCTCGGGGGCCGCCACAGAGCCCTGGGGCTTCTCCCGGGCACAGACACCGGCT[G>C]CTGGGGTGACCGCAGCTCGCAGCGGGCAGTGCGTCTTGAGGAGCACCCCGTAGGGGCACT-3'
Protein context (NP_937983.2, residues 412-432): HCPLRAAVTP[Ala422Gly]AGVCAREKPQ